The following is an entry in ClinVar:

NM_018100.4(EFHC1):c.1280A>G (p.Glu427Gly)

Gene: EFHC1 (EF-hand domain containing 1; plus strand). Cytogenetic location: 6p12.2.
Variant type: single nucleotide variant.
Coding change: c.1280A>G on transcript NM_018100.4 (MANE Select); coding-DNA position 1280, A replaced by G.
Protein change: p.Glu427Gly; replaces glutamic acid 427 with glycine.
Molecular consequence: missense variant. On other transcripts: non-coding transcript variant (1).
Genome position (GRCh38, 1-based): chr6:52,479,038, A>G. VCF-style: chr6-52479038-A-G. GRCh37 (hg19) VCF-style: chr6-52343836-A-G.
Other names: c.1223A>G, p.Glu408Gly (NM_001172420.2); short protein forms E427G, E408G.
Identifiers: ClinVar variation 284178 (VCV000284178.15), dbSNP rs756563341, ClinGen allele CA3856052.

ClinVar aggregate classification (germline): Uncertain significance. Review status: criteria provided, multiple submitters, no conflicts (2 of 4 stars). 2 submissions from 2 submitters: Uncertain significance (2). Last evaluated 2022-10-18.

Conditions:
Absence seizure. Also called: Absence epilepsy. Identifiers: Orphanet 1941, MedGen C0014553.
Myoclonic epilepsy, juvenile, susceptibility to, 1. Also called: Myoclonic Epilepsy, Juvenile, 1; EJM1. Identifiers: MedGen C1850778, MONDO:0020752, OMIM 254770.

Allele frequency attached by ClinVar (database versions not stated): ExAC 0.00002; gnomAD 0.00002; gnomAD exomes 0.00002 and 0.00007; TOPMed 0.00004.
gnomAD v4.1: 105 of 1,613,286 alleles (0.0065%); highest among the groups gnomAD compares: Non-Finnish European, 0.0083%; no homozygotes.

Submissions (2):

Labcorp Genetics (formerly Invitae), Labcorp
Classification: Uncertain significance for Myoclonic epilepsy, juvenile, susceptibility to, 1; Absence seizure. Last evaluated: 2022-10-18. Review status: criteria provided, single submitter. Criteria: Invitae Variant Classification Sherloc (09022015). Collection method: clinical testing. Allele origin: germline.
Comment: Algorithms developed to predict the effect of missense changes on protein structure and function are either unavailable or do not agree on the potential impact of this missense change (SIFT: "Tolerated"; PolyPhen-2: "Possibly Damaging"; Align-GVGD: "Class C0"). ClinVar contains an entry for this variant (Variation ID: 284178). This variant has not been reported in the literature in individuals affected with EFHC1-related conditions. This variant is present in population databases (rs756563341, gnomAD 0.005%). This sequence change replaces glutamic acid, which is acidic and polar, with glycine, which is neutral and non-polar, at codon 427 of the EFHC1 protein (p.Glu427Gly). In summary, the available evidence is currently insufficient to determine the role of this variant in disease. Therefore, it has been classified as a Variant of Uncertain Significance.

Eurofins Ntd Llc (ga)
Classification: Uncertain significance. Last evaluated: 2015-11-09. Review status: criteria provided, single submitter. Criteria: EGL Classification Definitions 2015. Collection method: clinical testing. Allele origin: germline. Observed: 2 variant alleles, 2 heterozygotes.